The following is an entry in ClinVar:

NM_000443.4(ABCB4):c.2906G>A (p.Arg969His)

Gene: ABCB4 (ATP binding cassette subfamily B member 4; minus strand). Cytogenetic location: 7q21.12.
Variant type: single nucleotide variant.
Coding change: c.2906G>A on transcript NM_000443.4 (MANE Select); coding-DNA position 2906, G replaced by A.
Protein change: p.Arg969His; replaces arginine 969 with histidine.
Molecular consequence: missense variant. On other transcripts: intron variant (1).
Genome position (GRCh38, 1-based): chr7:87,411,911, C>T on the plus strand (G>A on the coding strand, the complement: ABCB4 is on the minus strand). VCF-style: chr7-87411911-C-T. GRCh37 (hg19) VCF-style: chr7-87041227-C-T.
Other names: c.2906G>A, p.Arg969His (NM_018849.3); c.2783+1706G>A (NM_018850.3); short protein forms R969H.
Identifiers: ClinVar variation 191220 (VCV000191220.14), dbSNP rs752916287, ClinGen allele CA236282.

ClinVar aggregate classification (germline): Conflicting classifications of pathogenicity. Review status: criteria provided, conflicting classifications (1 of 4 stars). 11 submissions from 9 submitters: Pathogenic (4); Likely pathogenic (3); Uncertain significance (1). 3 of the submissions do not count toward it. Last evaluated 2026-05-12.

Conditions:
Familial intrahepatic cholestasis. Identifiers: Orphanet 284385, MedGen CN296401, MONDO:0017290.
ABCB4-related disorder. Also called: ABCB4-related disorders; ABCB4-related condition.
Progressive familial intrahepatic cholestasis (PFIC). Also called: Progressive family intrahepatic cholestasis; Progressive intrahepatic cholestasis. Identifiers: Orphanet 172, MedGen C0268312, MONDO:0015762.
Cholestasis, intrahepatic, of pregnancy, 3. Identifiers: Orphanet 69665, MedGen C3554241, MONDO:0013995, OMIM 614972.
Progressive familial intrahepatic cholestasis type 3. Also called: MDR3 DEFICIENCY; Low Gamma-GT Familial Intrahepatic Cholestasis. Identifiers: Orphanet 79305, MedGen C1865643, MONDO:0011214, OMIM 602347.

Allele frequency attached by ClinVar (database versions not stated): gnomAD below 0.00001 and 0.00001; TOPMed below 0.00001.
gnomAD v4.1: 6 of 1,613,376 alleles (0.00037%); highest among the groups gnomAD compares: South Asian, 0.0044%; no homozygotes.

Submissions (11):

PreventionGenetics, part of Exact Sciences
Classification: Likely pathogenic for ABCB4-related condition. Last evaluated: 2026-05-12. Review status: criteria provided, single submitter. Criteria: ACMG Guidelines, 2015. Collection method: clinical testing. Allele origin: germline.
Comment: The ABCB4 c.2906G>A variant is predicted to result in the amino acid substitution p.Arg969His. This variant has been reported in the homozygous or compound heterozygous state in several individuals with advanced cholestatic liver disease (Table S2 in Shagrani et al. 2017. PubMed ID: 28039895; Table S1 in Monies et al. 2019. PubMed ID: 31130284; Al-Hussaini et al. 2021. PubMed ID: 33915153). This variant has also been reported in a cohort of individuals from Saudi Arabia with suspected Mendelian diseases (Table S2 in Abouelhoda et al. 2016. PubMed ID: 27124789). At PreventionGenetics, we have observed this variant in the homozygous state in two unrelated individuals affected with cholestatic liver disease. This variant is reported in 0.0033% of alleles in individuals of South Asian descent in gnomAD. Based on the available evidence, we classify this variant as likely pathogenic.

Genomenon, Inc
Classification: Likely pathogenic for Familial intrahepatic cholestasis. Last evaluated: 2026-04-14. Review status: criteria provided, single submitter. Criteria: Genomenon Sequence Variant Interpretation Standards - Updated. Collection method: curation. Allele origin: germline. Affected: yes.
Comment: ABCB4 p.Arg969His (c.2906G>A) is a missense variant that changes the amino acid at residue 969 from Arginine to Histidine. This variant has been observed in at least one proband with an ABCB4-related disorder (PMID:39308532;39132680;37344829;36644077;33915153;28600779;28039895). It is absent or not present at a significant frequency in gnomAD. In conclusion, we classify ABCB4 p.Arg969His (c.2906G>A) as a likely pathogenic variant.

Women's Health and Genetics/Laboratory Corporation of America, LabCorp
Classification: Pathogenic for Progressive familial intrahepatic cholestasis. Last evaluated: 2026-01-20. Review status: criteria provided, single submitter. Criteria: LabCorp Variant Classification Summary - May 2015. Collection method: clinical testing. Allele origin: germline.
Comment: Variant summary: ABCB4 c.2906G>A (p.Arg969His) results in a non-conservative amino acid change in the encoded protein sequence. Algorithms developed to predict the effect of missense changes on protein structure and function are either unavailable or do not agree on the potential impact of this missense change. The variant allele was found at a frequency of 4e-06 in 250890 control chromosomes. c.2906G>A has been observed in multiple homozygous and compound heterozygous individuals affected with Intrahepatic Cholestasis (e.g. Maddirevula_2024). These data indicate that the variant is very likely to be associated with disease. To our knowledge, no experimental evidence demonstrating an impact on protein function has been reported. The following publication has been ascertained in the context of this evaluation (PMID: 39132680). ClinVar contains an entry for this variant (Variation ID: 191220). Based on the evidence outlined above, the variant was classified as pathogenic.

Genomic Medicine Center of Excellence, King Faisal Specialist Hospital and Research Centre
Classification: Likely pathogenic for Cholestasis, intrahepatic, of pregnancy, 3. Last evaluated: 2024-03-17. Review status: criteria provided, single submitter. Criteria: ACMG Guidelines, 2015. Collection method: research. Allele origin: germline.

Rolfs Rare Disease Consulting, Rolfs Consulting Und Verwaltungs GmbH
Classification: Pathogenic for Progressive familial intrahepatic cholestasis type 3. Last evaluated: 2021-01-01. Review status: criteria provided, single submitter. Criteria: ACMG Guidelines, 2015. Collection method: clinical testing. Allele origin: germline. Affected: yes.

Baylor Genetics
Classification: Pathogenic for Cholestasis, intrahepatic, of pregnancy, 3. Last evaluated: 2019-10-25. Review status: criteria provided, single submitter. Criteria: ACMG Guidelines, 2015. Collection method: clinical testing. Allele origin: unknown. Affected: yes.
Comment: This variant was determined to be pathogenic according to ACMG Guidelines, 2015 [PMID:25741868].

Eurofins Ntd Llc (ga)
Classification: Uncertain significance. Last evaluated: 2017-04-20. Review status: criteria provided, single submitter. Criteria: EGL Classification Definitions 2015. Collection method: clinical testing. Allele origin: germline. Observed: 1 variant allele, 1 heterozygote.

Pathology and Clinical Laboratory Medicine, King Fahad Medical City
Classification: Pathogenic for Progressive familial intrahepatic cholestasis type 3. Review status: criteria provided, single submitter. Criteria: ACMG Guidelines, 2015. Collection method: clinical testing. Allele origin: germline. Affected: yes. Observed: 2 variant alleles.

Biochemical Molecular Genetic Laboratory, King Abdulaziz Medical City
Classification: Pathogenic for Progressive familial intrahepatic cholestasis type 3. Last evaluated: 2018-03-14. Review status: no assertion criteria provided. Collection method: clinical testing. Allele origin: germline. Affected: yes. Not counted in ClinVar's aggregate classification.

Genomic Medicine Center of Excellence, King Faisal Specialist Hospital and Research Centre
Classification: Likely pathogenic for Progressive familial intrahepatic cholestasis type 3. Last evaluated: 2023-05-08. Review status: flagged submission. Criteria: ACMG Guidelines, 2015. Collection method: research. Allele origin: germline. Affected: yes. Not counted in ClinVar's aggregate classification.
ClinVar note: Reason: This record appears to be redundant with a more recent record from the same submitter.
ClinVar note: Notes: SCV003924320 appears to be redundant with SCV004804971.

Genomic Medicine Center of Excellence, King Faisal Specialist Hospital and Research Centre
Classification: Likely pathogenic. Review status: flagged submission. Criteria: ACMG Guidelines, 2015. Collection method: research. Allele origin: germline. Affected: yes. Not counted in ClinVar's aggregate classification.
ClinVar note: Reason: This record appears to be redundant with a more recent record from the same submitter.
ClinVar note: Notes: SCV000221604 appears to be redundant with SCV004804971.

Literature cited by the submitters: PubMed 39308532 (cited by Genomenon, Inc); PubMed 39132680 (cited by Genomenon, Inc and Women's Health and Genetics/Laboratory Corporation of America, LabCorp); PubMed 37344829 (cited by Genomenon, Inc); PubMed 36644077 (cited by Genomenon, Inc); PubMed 33915153 (cited by Genomenon, Inc); PubMed 28600779 (cited by Genomenon, Inc); PubMed 28039895 (cited by Genomenon, Inc).